The following is an entry in ClinVar:

NM_007294.4(BRCA1):c.2119G>C (p.Gly707Arg)

Gene: BRCA1 (BRCA1 DNA repair associated; minus strand). Cytogenetic location: 17q21.31.
Variant type: single nucleotide variant.
Coding change: c.2119G>C on transcript NM_007294.4 (MANE Select); coding-DNA position 2119, G replaced by C.
Protein change: p.Gly707Arg; replaces glycine 707 with arginine.
Molecular consequence: missense variant. On other transcripts: intron variant (137).
Genome position (GRCh38, 1-based): chr17:43,093,412, C>G on the plus strand (G>C on the coding strand, the complement: BRCA1 is on the minus strand). VCF-style: chr17-43093412-C-G. GRCh37 (hg19) VCF-style: chr17-41245429-C-G.
Other names: c.1978G>C, p.Gly660Arg (NM_001407731.1, NM_001407732.1, NM_001407750.1 and 29 more transcripts); c.1975G>C, p.Gly659Arg (NM_001407743.1, NM_001407744.1, NM_001407745.1 and 20 more transcripts); c.1906G>C, p.Gly636Arg (NM_001407853.1, NM_001407894.1, NM_001407895.1 and 9 more transcripts); c.2119G>C, p.Gly707Arg (NM_001407854.1, NM_001407858.1, NM_001407859.1 and 30 more transcripts); c.1909G>C, p.Gly637Arg (NM_001407885.1, NM_001407886.1, NM_001407887.1 and 13 more transcripts); c.1996G>C, p.Gly666Arg (NM_001407919.1, NM_001407937.1, NM_001407938.1 and 19 more transcripts); c.1855G>C, p.Gly619Arg (NM_001407920.1, NM_001407921.1, NM_001407922.1 and 9 more transcripts); c.1852G>C, p.Gly618Arg (NM_001407936.1, NM_001407930.1, NM_001407931.1 and 2 more transcripts); and 41 more; short protein forms G707R, G660R, G539R, G659R, G681R, G704R, G411R, G618R.
Identifiers: ClinVar variation 140990 (VCV000140990.25), dbSNP rs587781420, ClinGen allele CA001397.
Genomic context (GRCh38, chr17:43,093,412, plus strand): 5'-GAAGGCTAGGATTGACAAATTCTTTAAGTTCACTGGTATTTGAACACTTAGTAAAAGAAC[C>G]AGGTGCATTTGTTAACTTCAGCTCTGGGAAAGTATCGCTGTCATGTCTTTTACTTGTCTG-3'
Protein context (NP_009225.1, residues 697-717): FPELKLTNAP[Gly707Arg]SFTKCSNTSE

ClinVar aggregate classification (germline): Conflicting classifications of pathogenicity. Review status: criteria provided, conflicting classifications (1 of 4 stars). 7 submissions from 7 submitters: Uncertain significance (5); Likely benign (2). Last evaluated 2026-02-12.

Conditions:
Breast-ovarian cancer, familial, susceptibility to, 1 (BROVCA1). Also called: BRCA1 Hereditary Breast and Ovarian Cancer; OVARIAN CANCER, SUSCEPTIBILITY TO. Identifiers: Orphanet 145, MedGen C2676676, MONDO:0011450, OMIM 604370. Disease mechanism: loss of function.
Pancreatic cancer, susceptibility to, 4. Identifiers: Orphanet 1333, MedGen C3280442, MONDO:0013685, OMIM 614320.
Fanconi anemia, complementation group S (FANCS). Identifiers: MedGen C4554406, MONDO:0054748, OMIM 617883.
Hereditary cancer-predisposing syndrome. Also called: Tumor predisposition; Hereditary neoplastic syndrome; Hereditary Cancer Syndrome; Neoplastic Syndromes, Hereditary. Identifiers: Orphanet 140162, MedGen C0027672, MeSH D009386, MONDO:0015356.
Hereditary breast ovarian cancer syndrome. Also called: Hereditary breast and/or ovarian cancer syndrome; Breast and ovarian cancer; Hereditary breast and ovarian cancer syndrome; Hereditary breast and ovarian cancer; Hereditary breast and ovarian cancer syndrome (HBOC); BRCA1- and BRCA2-Associated Hereditary Breast and Ovarian Cancer. Identifiers: Orphanet 145, MedGen C0677776, MeSH D061325, MONDO:0003582. Disease mechanism: loss of function.

Allele frequency attached by ClinVar (database versions not stated): gnomAD 0.00001; TOPMed 0.00001.
gnomAD v4.1: 1 of 1,613,892 alleles (0.000062%); highest among the groups gnomAD compares: African/African-American, 0.0013%; no homozygotes.

Submissions (7):

Myriad Genetics, Inc.
Classification: Likely benign for Breast-ovarian cancer, familial, susceptibility to, 1. Last evaluated: 2026-02-12. Review status: criteria provided, single submitter. Criteria: Myriad Autosomal Dominant, Autosomal Recessive and X-Linked Classification Criteria (2023). Collection method: clinical testing. Allele origin: unknown.
Comment: This variant is considered likely benign. This variant is strongly associated with less severe personal and family histories of cancer, typical for individuals without pathogenic variants in this gene [PMID: 25085752].

Labcorp Genetics (formerly Invitae), Labcorp
Classification: Uncertain significance for Hereditary breast ovarian cancer syndrome. Last evaluated: 2025-05-05. Review status: criteria provided, single submitter. Criteria: Invitae Variant Classification Sherloc (09022015). Collection method: clinical testing. Allele origin: germline.
Comment: This sequence change replaces glycine, which is neutral and non-polar, with arginine, which is basic and polar, at codon 707 of the BRCA1 protein (p.Gly707Arg). This variant is not present in population databases (gnomAD no frequency). This missense change has been observed in individual(s) with clinical features of BRCA1-related conditions (PMID: 21520333). ClinVar contains an entry for this variant (Variation ID: 140990). Invitae Evidence Modeling of protein sequence and biophysical properties (such as structural, functional, and spatial information, amino acid conservation, physicochemical variation, residue mobility, and thermodynamic stability) indicates that this missense variant is not expected to disrupt BRCA1 protein function with a negative predictive value of 80%. In summary, the available evidence is currently insufficient to determine the role of this variant in disease. Therefore, it has been classified as a Variant of Uncertain Significance.

Fulgent Genetics
Classification: Uncertain significance for Breast-ovarian cancer, familial, susceptibility to, 1; Pancreatic cancer, susceptibility to, 4; Fanconi anemia, complementation group S. Last evaluated: 2024-03-27. Review status: criteria provided, single submitter. Criteria: ACMG Guidelines, 2015. Collection method: clinical testing. Allele origin: germline.

University of Washington Department of Laboratory Medicine, University of Washington
Classification: Likely benign for Hereditary cancer-predisposing syndrome. Last evaluated: 2023-03-23. Review status: criteria provided, single submitter. Criteria: Dines et al. (Genet Med. 2020). Collection method: curation. Allele origin: germline.
Comment: Missense variant in a coldspot region where missense variants are very unlikely to be pathogenic (PMID:31911673).

BRCA1 coldspot (exon 11 using historical exon numbering). Reclassification based on statistical prior probability

Color Diagnostics, LLC DBA Color Health
Classification: Uncertain significance for Hereditary cancer-predisposing syndrome. Last evaluated: 2023-01-03. Review status: criteria provided, single submitter. Criteria: ACMG Guidelines, 2015. Collection method: clinical testing. Allele origin: germline.
Comment: This missense variant replaces glycine with arginine at codon 707 of the BRCA1 protein. Computational prediction suggests that this variant may not impact protein structure and function (internally defined REVEL score threshold <= 0.5, PMID: 27666373). To our knowledge, functional studies have not been reported for this variant. This variant has not been reported as a germline variant in individuals affected with BRCA1-related disorders in the literature. This variant has not been identified in the general population by the Genome Aggregation Database (gnomAD). The available evidence is insufficient to determine the role of this variant in disease conclusively. Therefore, this variant is classified as a Variant of Uncertain Significance.

Ambry Genetics
Classification: Uncertain significance for Hereditary cancer-predisposing syndrome. Last evaluated: 2022-06-09. Review status: criteria provided, single submitter. Criteria: Ambry Variant Classification Scheme 2023. Collection method: clinical testing. Allele origin: germline.
Comment: The p.G707R variant (also known as c.2119G>C), located in coding exon 9 of the BRCA1 gene, results from a G to C substitution at nucleotide position 2119. The glycine at codon 707 is replaced by arginine, an amino acid with dissimilar properties. This amino acid position is not well conserved in available vertebrate species. In addition, the in silico prediction for this alteration is inconclusive. Since supporting evidence is limited at this time, the clinical significance of this alteration remains unclear.

Quest Diagnostics Nichols Institute San Juan Capistrano
Classification: Uncertain significance. Last evaluated: 2020-11-06. Review status: criteria provided, single submitter. Criteria: Quest Diagnostics criteria. Collection method: clinical testing. Allele origin: unknown.

Literature cited by the submitters: PubMed 25085752 (cited by Myriad Genetics, Inc.); PubMed 21520333 (cited by Labcorp Genetics (formerly Invitae), Labcorp).